The following is an entry in ClinVar:

ClinVar aggregate classification (germline): Uncertain significance. Review status: criteria provided, single submitter (1 of 4 stars). 2 submissions from 2 submitters: Uncertain significance (1). 1 of the submissions does not count toward it. Last evaluated 2023-09-20.

Conditions:
C1QTNF5-related disorder. Also called: C1QTNF5-related condition.

Allele frequency attached by ClinVar (database versions not stated): gnomAD 0.00001; gnomAD exomes 0.00001; TOPMed 0.00001; 1000 Genomes Project 30x 0.00016.
gnomAD v4.1: 5 of 1,516,012 alleles (0.00033%); highest among the groups gnomAD compares: Admixed American, 0.0043%; no homozygotes.

Submissions (2):

Labcorp Genetics (formerly Invitae), Labcorp
Classification: Uncertain significance. Last evaluated: 2023-09-20. Review status: criteria provided, single submitter. Criteria: Invitae Variant Classification Sherloc (09022015). Collection method: clinical testing. Allele origin: germline.
Comment: This sequence change affects codon 66 of the C1QTNF5 mRNA. It is a 'silent' change, meaning that it does not change the encoded amino acid sequence of the C1QTNF5 protein. The frequency data for this variant in the population databases is considered unreliable, as metrics indicate poor data quality at this position in the gnomAD database. In summary, the available evidence is currently insufficient to determine the role of this variant in disease. Therefore, it has been classified as a Variant of Uncertain Significance. Algorithms developed to predict the effect of sequence changes on RNA splicing suggest that this variant may disrupt the consensus splice site. ClinVar contains an entry for this variant (Variation ID: 858834). This variant has not been reported in the literature in individuals affected with C1QTNF5-related conditions.

PreventionGenetics, part of Exact Sciences
Classification: Likely benign for C1QTNF5-related condition. Last evaluated: 2019-06-17. Review status: no assertion criteria provided. Collection method: clinical testing. Allele origin: germline. Not counted in ClinVar's aggregate classification.
Comment: This variant is classified as likely benign based on ACMG/AMP sequence variant interpretation guidelines (Richards et al. 2015 PMID: 25741868, with internal and published modifications).

NM_001278431.2(C1QTNF5):c.198C>T (p.Gly66=)

Genes: C1QTNF5 (C1q and TNF related 5; minus strand), MFRP (membrane frizzled-related protein; minus strand). Cytogenetic location: 11q23.3.
Variant type: single nucleotide variant.
Coding change: c.198C>T on transcript NM_001278431.2 (MANE Select); coding-DNA position 198, C replaced by T.
Protein change: p.Gly66=; no amino-acid change (glycine 66 retained).
Molecular consequence: synonymous variant. On other transcripts: 3 prime UTR variant (1).
Genome position (GRCh38, 1-based): chr11:119,340,200, G>A on the plus strand (C>T on the coding strand, the complement: C1QTNF5 is on the minus strand). VCF-style: chr11-119340200-G-A. GRCh37 (hg19) VCF-style: chr11-119210910-G-A.
Other names: c.198C>T, p.Gly66= (NM_015645.5); c.*1094C>T (NM_031433.4).
Identifiers: ClinVar variation 858834 (VCV000858834.12), dbSNP rs932268494, ClinGen allele CA477154965.